The following is an entry in ClinVar:

ClinVar aggregate classification (germline): Uncertain significance. Review status: criteria provided, multiple submitters, no conflicts (2 of 4 stars). 2 submissions from 2 submitters: Uncertain significance (2). Last evaluated 2020-09-20.

Conditions:
Emery-Dreifuss muscular dystrophy 5, autosomal dominant (EDMD5). Also called: EMERY-DREIFUSS MUSCULAR DYSTROPHY 5. Identifiers: Orphanet 261, MedGen C2751805, MONDO:0013072, OMIM 612999.

Allele frequency attached by ClinVar (database versions not stated): gnomAD exomes below 0.00001; TOPMed 0.00002.
gnomAD v4.1: 1 of 1,613,752 alleles (0.000062%); highest among the groups gnomAD compares: Admixed American, 0.0017%; no homozygotes.

Submissions (2):

Labcorp Genetics (formerly Invitae), Labcorp
Classification: Uncertain significance for Emery-Dreifuss muscular dystrophy 5, autosomal dominant. Last evaluated: 2020-09-20. Review status: criteria provided, single submitter. Criteria: Invitae Variant Classification Sherloc (09022015). Collection method: clinical testing. Allele origin: germline.
Comment: This variant is not present in population databases (ExAC no frequency). In summary, the available evidence is currently insufficient to determine the role of this variant in disease. Therefore, it has been classified as a Variant of Uncertain Significance. Algorithms developed to predict the effect of missense changes on protein structure and function output the following: SIFT: "Tolerated"; PolyPhen-2: "Probably Damaging"; Align-GVGD: "Class C0". The threonine amino acid residue is found in multiple mammalian species, suggesting that this missense change does not adversely affect protein function. These predictions have not been confirmed by published functional studies and their clinical significance is uncertain. This variant has not been reported in the literature in individuals with SYNE2-related conditions. ClinVar contains an entry for this variant (Variation ID: 805599). This sequence change replaces lysine with threonine at codon 1655 of the SYNE2 protein (p.Lys1655Thr). The lysine residue is weakly conserved and there is a moderate physicochemical difference between lysine and threonine.

Athena Diagnostics
Classification: Uncertain significance. Last evaluated: 2018-09-25. Review status: criteria provided, single submitter. Criteria: Athena Diagnostics Criteria. Collection method: clinical testing. Allele origin: germline.

NM_182914.3(SYNE2):c.4964A>C (p.Lys1655Thr)

Gene: SYNE2 (spectrin repeat containing nuclear envelope protein 2; plus strand). Cytogenetic location: 14q23.2.
Variant type: single nucleotide variant.
Coding change: c.4964A>C on transcript NM_182914.3 (MANE Select); coding-DNA position 4964, A replaced by C.
Protein change: p.Lys1655Thr; replaces lysine 1655 with threonine.
Molecular consequence: missense variant.
Genome position (GRCh38, 1-based): chr14:64,017,671, A>C. VCF-style: chr14-64017671-A-C. GRCh37 (hg19) VCF-style: chr14-64484389-A-C.
Other names: c.4964A>C, p.Lys1655Thr (NM_015180.6); short protein forms K1655T.
Identifiers: ClinVar variation 805599 (VCV000805599.8), dbSNP rs1594893225, ClinGen allele CA389938261.
Genomic context (GRCh38, chr14:64,017,671, plus strand): 5'-AAGATTACTATGAAAATCTTGGTCGAGCTCTAGCTTTGTGGGACAAACTTTTTAACTTAA[A>C]AAATGTCATTGATGAGTGGACAGAAAAGGCCCTTCAAAAAATGGAATTACATCAATTGAC-3'
Protein context (NP_878918.2, residues 1645-1665): LALWDKLFNL[Lys1655Thr]NVIDEWTEKA